The following is an entry in ClinVar:

ClinVar aggregate classification (germline): Uncertain significance. Review status: criteria provided, multiple submitters, no conflicts (2 of 4 stars). 2 submissions from 2 submitters: Uncertain significance (2). Last evaluated 2025-03-20.

Conditions:
Mitochondrial complex II deficiency, nuclear type 1. Also called: SUCCINATE CoQ REDUCTASE DEFICIENCY. Identifiers: Orphanet 3208, MedGen C5700310, MONDO:0100294, OMIM 252011.
Pheochromocytoma/paraganglioma syndrome 5. Also called: Paragangliomas 5; SDHA-Related Hereditary Paraganglioma-Pheochromocytoma Syndrome. Identifiers: Orphanet 29072, MedGen C3279992, MONDO:0013602, OMIM 614165.
Hereditary cancer-predisposing syndrome. Also called: Tumor predisposition; Hereditary Cancer Syndrome; Neoplastic Syndromes, Hereditary; Hereditary neoplastic syndrome. Identifiers: Orphanet 140162, MedGen C0027672, MeSH D009386, MONDO:0015356.

Allele frequency attached by ClinVar (database versions not stated): ExAC 0.00001.
gnomAD v4.1: 1 of 1,614,062 alleles (0.000062%); highest among the groups gnomAD compares: Non-Finnish European, 0.000085%; no homozygotes.

Submissions (2):

Labcorp Genetics (formerly Invitae), Labcorp
Classification: Uncertain significance for Pheochromocytoma/paraganglioma syndrome 5; Mitochondrial complex II deficiency, nuclear type 1. Last evaluated: 2025-03-20. Review status: criteria provided, single submitter. Criteria: Invitae Variant Classification Sherloc (09022015). Collection method: clinical testing. Allele origin: germline.
Comment: This sequence change falls in intron 6 of the SDHA gene. It does not directly change the encoded amino acid sequence of the SDHA protein. This variant is present in population databases (rs746082750, gnomAD 0.0009%). This variant has not been reported in the literature in individuals affected with SDHA-related conditions. ClinVar contains an entry for this variant (Variation ID: 3223757). Algorithms developed to predict the effect of sequence changes on RNA splicing suggest that this variant may disrupt the consensus splice site. In summary, the available evidence is currently insufficient to determine the role of this variant in disease. Therefore, it has been classified as a Variant of Uncertain Significance.

Ambry Genetics
Classification: Uncertain significance for Hereditary cancer-predisposing syndrome. Last evaluated: 2024-03-12. Review status: criteria provided, single submitter. Criteria: Ambry Variant Classification Scheme 2023. Collection method: clinical testing. Allele origin: germline.
Comment: The c.771-5T>G intronic variant results from a T to G substitution 5 nucleotides upstream from coding exon 7 in the SDHA gene. This nucleotide position is well conserved in available vertebrate species. In silico splice site analysis predicts that this alteration may weaken the native splice acceptor site; however, direct evidence is insufficient at this time (Ambry internal data). Based on the available evidence, the clinical significance of this alteration remains unclear.

NM_004168.4(SDHA):c.771-5T>G

Gene: SDHA (succinate dehydrogenase complex flavoprotein subunit A; plus strand). Cytogenetic location: 5p15.33.
Variant type: single nucleotide variant.
Coding change: c.771-5T>G on transcript NM_004168.4 (MANE Select); 5 bases into the intron before coding-DNA position 771, T replaced by G.
Molecular consequence: intron variant.
Genome position (GRCh38, 1-based): chr5:230,871, T>G. VCF-style: chr5-230871-T-G. GRCh37 (hg19) VCF-style: chr5-230986-T-G.
Other names: c.771-5T>G (NM_001330758.2); c.627-5T>G (NM_001294332.2).
Identifiers: ClinVar variation 3223757 (VCV003223757.2), dbSNP rs746082750, ClinGen allele CA3172992.